The following is an entry in ClinVar:

NM_001042424.3(NSD2):c.1697C>T (p.Thr566Met)

Gene: NSD2 (nuclear receptor binding SET domain protein 2; plus strand). Cytogenetic location: 4p16.3.
Variant type: single nucleotide variant.
Coding change: c.1697C>T on transcript NM_001042424.3 (MANE Select); coding-DNA position 1697, C replaced by T.
Protein change: p.Thr566Met; replaces threonine 566 with methionine.
Molecular consequence: missense variant.
Genome position (GRCh38, 1-based): chr4:1,938,473, C>T. VCF-style: chr4-1938473-C-T. GRCh37 (hg19) VCF-style: chr4-1940200-C-T.
Other names: c.1697C>T, p.Thr566Met (NM_007331.2, NM_133330.3, NM_133331.3 and 2 more transcripts); short protein forms T566M.
Identifiers: ClinVar variation 3624318 (VCV003624318.4).
Genomic context (GRCh38, chr4:1,938,473, plus strand): 5'-TTTCTTTTTTTTTTTTTTTTTTTTTTTTTAAATAATAGAGAGACACAATCACTGACAAAA[C>T]GGCCAGAACAAGCTCTTACAAGGCCATGGAGGCAGCCTCCTCGCTCAAGAGCCAGGCAGG-3'
Protein context (NP_001035889.1, residues 556-576): LRKRDTITDK[Thr566Met]ARTSSYKAME

ClinVar aggregate classification (germline): Uncertain significance. Review status: criteria provided, multiple submitters, no conflicts (2 of 4 stars). 2 submissions from 2 submitters: Uncertain significance (2). Last evaluated 2025-10-02.

gnomAD v4.1: 2 of 1,353,844 alleles (0.00015%); highest among the groups gnomAD compares: Non-Finnish European, 0.0002%; no homozygotes.

Submissions (2):

Dasa
Classification: Uncertain significance. Last evaluated: 2025-10-02. Review status: criteria provided, single submitter. Criteria: DASA Assertion Criteria. Collection method: clinical testing. Allele origin: germline.
Comment: NM_001042424.3(NSD2):c.1697C>T (p.Thr566Met) is a missense variant that results in the substitution of threonine with methionine. This variant is rare in population databases. Computational prediction algorithms are consistent with a benign effect. The currently available literature and clinical evidence are not sufficient to establish a definitive association between this variant and the reported condition. Therefore, this variant is classified as a variant of uncertain significance.

Labcorp Genetics (formerly Invitae), Labcorp
Classification: Uncertain significance. Last evaluated: 2024-10-19. Review status: criteria provided, single submitter. Criteria: Invitae Variant Classification Sherloc (09022015). Collection method: clinical testing. Allele origin: germline.
Comment: This sequence change replaces threonine, which is neutral and polar, with methionine, which is neutral and non-polar, at codon 566 of the WHSC1 protein (p.Thr566Met). This variant is not present in population databases (gnomAD no frequency). This variant has not been reported in the literature in individuals affected with WHSC1-related conditions. An algorithm developed to predict the effect of missense changes on protein structure and function outputs the following: PolyPhen-2: "Benign". The methionine amino acid residue is found in multiple mammalian species, which suggests that this missense change does not adversely affect protein function. In summary, the available evidence is currently insufficient to determine the role of this variant in disease. Therefore, it has been classified as a Variant of Uncertain Significance.